The following is an entry in ClinVar:

ClinVar aggregate classification (germline): Conflicting classifications of pathogenicity. Review status: criteria provided, conflicting classifications (1 of 4 stars). 3 submissions from 3 submitters: Uncertain significance (1); Likely benign (2). Last evaluated 2026-01-25.

Conditions:
Autosomal recessive limb-girdle muscular dystrophy type 2J (LGMDR10). Also called: Limb-girdle muscular dystrophy, type 2J; MUSCULAR DYSTROPHY, LIMB-GIRDLE, AUTOSOMAL RECESSIVE 10. Identifiers: Orphanet 140922, MedGen C1837342, MONDO:0012127, OMIM 608807.
Dilated cardiomyopathy 1G (CMD1G). Identifiers: Orphanet 154, MedGen C1858763, MONDO:0011400, OMIM 604145.

Allele frequency attached by ClinVar (database versions not stated): gnomAD 0.00001; TOPMed 0.00004; ExAC 0.00009.
gnomAD v4.1: 35 of 1,607,302 alleles (0.0022%); highest among the groups gnomAD compares: Admixed American, 0.057%; no homozygotes.

Submissions (3):

Labcorp Genetics (formerly Invitae), Labcorp
Classification: Likely benign for Dilated cardiomyopathy 1G; Autosomal recessive limb-girdle muscular dystrophy type 2J. Last evaluated: 2026-01-25. Review status: criteria provided, single submitter. Criteria: Invitae Variant Classification Sherloc (09022015). Collection method: clinical testing. Allele origin: germline.

Mayo Clinic Laboratories, Mayo Clinic
Classification: Likely benign. Last evaluated: 2025-06-09. Review status: criteria provided, single submitter. Criteria: ACMG Guidelines, 2015. Collection method: clinical testing. Allele origin: germline. Observed: 1 variant allele.
Comment: BP4, BP7

Eurofins Ntd Llc (ga)
Classification: Uncertain significance. Last evaluated: 2018-08-29. Review status: criteria provided, single submitter. Criteria: EGL ClinVar v180209 classification definitions. Collection method: clinical testing. Allele origin: germline. Observed: 2 variant alleles, 2 heterozygotes.

NM_001267550.2(TTN):c.24506-8C>G

Gene: TTN (titin; minus strand). Cytogenetic location: 2q31.2.
Variant type: single nucleotide variant.
Coding change: c.24506-8C>G on transcript NM_001267550.2 (MANE Select); 8 bases into the intron before coding-DNA position 24506, C replaced by G.
Molecular consequence: intron variant.
Genome position (GRCh38, 1-based): chr2:178,718,608, G>C on the plus strand (C>G on the coding strand, the complement: TTN is on the minus strand). VCF-style: chr2-178718608-G-C. GRCh37 (hg19) VCF-style: chr2-179583335-G-C.
Other names: p.?; c.13282+19474C>G (NM_003319.4); c.13858+19474C>G (NM_133437.4); c.13657+19474C>G (NM_133432.3); c.20774-8C>G (NM_133378.4); c.23555-8C>G (NM_001256850.1).
Identifiers: ClinVar variation 466933 (VCV000466933.16), dbSNP rs748675191, ClinGen allele CA2000410.